The following is an entry in ClinVar:

ClinVar aggregate classification (germline): Conflicting classifications of pathogenicity. Review status: criteria provided, conflicting classifications (1 of 4 stars). 2 submissions from 2 submitters: Uncertain significance (1); Likely benign (1). Last evaluated 2023-11-27.

Conditions:
Primary ciliary dyskinesia 27. Also called: CILIARY DYSKINESIA, PRIMARY, 27, WITHOUT SITUS INVERSUS. Identifiers: Orphanet 244, MedGen C3809701, MONDO:0014215, OMIM 615504.

Allele frequency attached by ClinVar (database versions not stated): ExAC 0.00003; gnomAD 0.00005; TOPMed 0.00006; 1000 Genomes Project 30x 0.00016; ESP Exome Variant Server 0.00031.
gnomAD v4.1: 33 of 1,614,062 alleles (0.002%); highest among the groups gnomAD compares: African/African-American, 0.0027%; no homozygotes.

Submissions (2):

Labcorp Genetics (formerly Invitae), Labcorp
Classification: Uncertain significance for Primary ciliary dyskinesia 27. Last evaluated: 2023-11-27. Review status: criteria provided, single submitter. Criteria: Invitae Variant Classification Sherloc (09022015). Collection method: clinical testing. Allele origin: germline.
Comment: This sequence change replaces arginine, which is basic and polar, with glutamine, which is neutral and polar, at codon 291 of the CCDC65 protein (p.Arg291Gln). This variant is present in population databases (rs147489383, gnomAD 0.004%). This variant has not been reported in the literature in individuals affected with CCDC65-related conditions. ClinVar contains an entry for this variant (Variation ID: 2197105). Algorithms developed to predict the effect of missense changes on protein structure and function output the following: SIFT: "Not Available"; PolyPhen-2: "Benign"; Align-GVGD: "Not Available". The glutamine amino acid residue is found in multiple mammalian species, which suggests that this missense change does not adversely affect protein function. In summary, the available evidence is currently insufficient to determine the role of this variant in disease. Therefore, it has been classified as a Variant of Uncertain Significance.

Blueprint Genetics
Classification: Likely benign. Last evaluated: 2021-08-31. Review status: criteria provided, single submitter. Criteria: ACMG Guidelines, 2015. Collection method: clinical testing. Allele origin: germline.

NM_033124.5(DRC2):c.872G>A (p.Arg291Gln)

Gene: DRC2 (dynein regulatory complex subunit 2; plus strand). Cytogenetic location: 12q13.12.
Variant type: single nucleotide variant.
Coding change: c.872G>A on transcript NM_033124.5 (MANE Select); coding-DNA position 872, G replaced by A.
Protein change: p.Arg291Gln; replaces arginine 291 with glutamine.
Molecular consequence: missense variant.
Genome position (GRCh38, 1-based): chr12:48,918,749, G>A. VCF-style: chr12-48918749-G-A. GRCh37 (hg19) VCF-style: chr12-49312532-G-A.
Other names: c.443G>A, p.Arg148Gln (NM_001286957.2); short protein forms R148Q, R291Q.
Identifiers: ClinVar variation 2197105 (VCV002197105.5), dbSNP rs147489383, ClinGen allele CA6543364.